The following is an entry in ClinVar:

ClinVar aggregate classification (germline): Uncertain significance (1 of 4 stars; one submission).

Conditions:
Fanconi anemia (FA). Also called: Fanconi's anemia. Identifiers: Orphanet 84, MedGen C0015625, MeSH D005199, MONDO:0019391.

Allele frequency attached by ClinVar (database versions not stated): gnomAD exomes below 0.00001; TOPMed below 0.00001; ExAC 0.00001.

Submission:

Labcorp Genetics (formerly Invitae), Labcorp
Classification: Uncertain significance for Fanconi anemia. Last evaluated: 2021-08-26. Review status: criteria provided, single submitter. Criteria: Invitae Variant Classification Sherloc (09022015). Collection method: clinical testing. Allele origin: germline.
Comment: In summary, the available evidence is currently insufficient to determine the role of this variant in disease. Therefore, it has been classified as a Variant of Uncertain Significance. Algorithms developed to predict the effect of missense changes on protein structure and function are either unavailable or do not agree on the potential impact of this missense change (SIFT: "Deleterious"; PolyPhen-2: "Possibly Damaging"; Align-GVGD: "Class C0"). This variant has not been reported in the literature in individuals affected with FANCM-related conditions. This variant is present in population databases (rs780601895, ExAC 0.001%). This sequence change replaces methionine with threonine at codon 125 of the FANCM protein (p.Met125Thr). The methionine residue is moderately conserved and there is a moderate physicochemical difference between methionine and threonine.

NM_020937.4(FANCM):c.374T>C (p.Met125Thr)

Gene: FANCM (FA complementation group M; plus strand). Cytogenetic location: 14q21.2.
Variant type: single nucleotide variant.
Coding change: c.374T>C on transcript NM_020937.4 (MANE Select); coding-DNA position 374, T replaced by C.
Protein change: p.Met125Thr; replaces methionine 125 with threonine.
Molecular consequence: missense variant.
Genome position (GRCh38, 1-based): chr14:45,136,405, T>C. VCF-style: chr14-45136405-T-C. GRCh37 (hg19) VCF-style: chr14-45605608-T-C.
Other names: c.374T>C, p.Met125Thr (NM_001308133.2, NM_001308134.2); short protein forms M125T.
Identifiers: ClinVar variation 1405875 (VCV001405875.6), dbSNP rs780601895, ClinGen allele CA7168744.
Genomic context (GRCh38, chr14:45,136,405, plus strand): 5'-GCAATACGCTGGTGTGTCTGCCTACCGGACTGGGAAAGACCTTTATTGCCGCCGTGGTCA[T>C]GTACAATTTCTACCGCTGGTTCCCTTCAGGAAAGGTGGTCTTCATGGCCCCAACGAAACC-3'
Protein context (NP_065988.1, residues 115-135): LGKTFIAAVV[Met125Thr]YNFYRWFPSG